The following is an entry in ClinVar:

NM_001099922.3(ALG13):c.2024T>C (p.Val675Ala)

Gene: ALG13 (ALG13 UDP-N-acetylglucosaminyltransferase subunit; plus strand). Cytogenetic location: Xq23.
Variant type: single nucleotide variant.
Coding change: c.2024T>C on transcript NM_001099922.3 (MANE Select); coding-DNA position 2024, T replaced by C.
Protein change: p.Val675Ala; replaces valine 675 with alanine.
Molecular consequence: missense variant. On other transcripts: non-coding transcript variant (1).
Genome position (GRCh38, 1-based): chrX:111,727,379, T>C. VCF-style: chrX-111727379-T-C. GRCh37 (hg19) VCF-style: chrX-110970607-T-C.
Other names: c.1712T>C, p.Val571Ala (NM_001257230.2, NM_001257234.2, NM_001257237.2); c.1790T>C, p.Val597Ala (NM_001257231.2); c.2024T>C, p.Val675Ala (NM_001324292.2); c.1538T>C, p.Val513Ala (NM_001324293.1); short protein forms V571A, V675A, V513A, V597A.
Identifiers: ClinVar variation 4747437 (VCV004747437.1).

ClinVar aggregate classification (germline): Uncertain significance (1 of 4 stars; one submission).

Conditions:
Developmental and epileptic encephalopathy, 36 (DEE36). Also called: ALG13-CDG; Epileptic encephalopathy, early infantile, 36; Congenital disorder of glycosylation, type Is. Identifiers: Orphanet 324422, MedGen C4317295, MONDO:0010472, OMIM 300884.

Submission:

Labcorp Genetics (formerly Invitae), Labcorp
Classification: Uncertain significance for Developmental and epileptic encephalopathy, 36. Last evaluated: 2025-03-05. Review status: criteria provided, single submitter. Criteria: Invitae Variant Classification Sherloc (09022015). Collection method: clinical testing. Allele origin: germline.
Comment: This sequence change replaces valine, which is neutral and non-polar, with alanine, which is neutral and non-polar, at codon 675 of the ALG13 protein (p.Val675Ala). This variant is not present in population databases (gnomAD no frequency). This variant has not been reported in the literature in individuals affected with ALG13-related conditions. Invitae Evidence Modeling of protein sequence and biophysical properties (such as structural, functional, and spatial information, amino acid conservation, physicochemical variation, residue mobility, and thermodynamic stability) has been performed for this missense variant. However, the output from this modeling did not meet the statistical confidence thresholds required to predict the impact of this variant on ALG13 protein function. In summary, the available evidence is currently insufficient to determine the role of this variant in disease. Therefore, it has been classified as a Variant of Uncertain Significance.